The following is an entry in ClinVar:

NM_207305.5(FOXD4):c.542A>G (p.Asp181Gly)

Gene: FOXD4 (forkhead box D4; minus strand). Cytogenetic location: 9p24.3.
Variant type: single nucleotide variant.
Coding change: c.542A>G on transcript NM_207305.5 (MANE Select); coding-DNA position 542, A replaced by G.
Protein change: p.Asp181Gly; replaces aspartic acid 181 with glycine.
Molecular consequence: missense variant.
Genome position (GRCh38, 1-based): chr9:117,578, T>C on the plus strand (A>G on the coding strand, the complement: FOXD4 is on the minus strand). VCF-style: chr9-117578-T-C. GRCh37 (hg19) VCF-style: chr9-117578-T-C.
Other names: short protein forms D181G.
Identifiers: ClinVar variation 2659011 (VCV002659011.24), dbSNP rs755372407, ClinGen allele CA4955979.
Genomic context (GRCh38, chr9:117,578, plus strand): 5'-TGGAAACGCTTCCTACGCCGGAGAAAGCTGCCATTGTCGAACATGTCCTGGGAGGCGGGG[T>C]CCAGGCTCCAGTAGTTGCCCTTGCCTGGGCGGCCCGGCTCGCGGGGGATCTTGACGAAGC-3'
Protein context (NP_997188.2, residues 171-191): RPGKGNYWSL[Asp181Gly]PASQDMFDNG

ClinVar aggregate classification (germline): Uncertain significance (1 of 4 stars; one submission).

Allele frequency attached by ClinVar (database versions not stated): gnomAD exomes below 0.00001; ExAC 0.00001; gnomAD 0.00001; TOPMed 0.00001.

Submission:

CeGaT Center for Human Genetics Tuebingen
Classification: Uncertain significance. Last evaluated: 2023-06-01. Review status: criteria provided, single submitter. Criteria: CeGaT Center For Human Genetics Tuebingen Variant Classification Criteria Version 2. Collection method: clinical testing. Allele origin: germline. Affected: yes. Observed: 1 variant allele.
Comment: FOXD4: PP3